The following is an entry in ClinVar:

ClinVar aggregate classification (germline): Uncertain significance. Review status: criteria provided, multiple submitters, no conflicts (2 of 4 stars). 3 submissions from 3 submitters: Uncertain significance (2). 1 of the submissions does not count toward it. Last evaluated 2026-01-14.

Conditions:
Glutaric acidemia type 2C.
Multiple acyl-CoA dehydrogenase deficiency (MADD). Also called: Glutaric aciduria, type 2; Glutaric Acidemia type 2; ETHYLMALONIC-ADIPICACIDURIA; GA II; Glutaric acidemia type II; GA 2. Identifiers: Orphanet 26791, MedGen C0268596, MONDO:0009282, OMIM 231680.

Allele frequency attached by ClinVar (database versions not stated): ExAC 0.00001; gnomAD exomes 0.00001.
gnomAD v4.1: 4 of 1,612,492 alleles (0.00025%); highest among the groups gnomAD compares: Admixed American, 0.0067%; no homozygotes.

Submissions (3):

GeneDx
Classification: Uncertain significance. Last evaluated: 2026-01-14. Review status: criteria provided, single submitter. Criteria: GeneDx Variant Classification Process June 2021. Collection method: clinical testing. Allele origin: germline. Affected: yes.
Comment: Not observed at significant frequency in large population cohorts (gnomAD); In silico analysis supports that this missense variant has a deleterious effect on protein structure/function; Has not been previously published as pathogenic or benign to our knowledge; This variant is associated with the following publications: (PMID: 28468868)

Labcorp Genetics (formerly Invitae), Labcorp
Classification: Uncertain significance for Multiple acyl-CoA dehydrogenase deficiency. Last evaluated: 2022-09-13. Review status: criteria provided, single submitter. Criteria: Invitae Variant Classification Sherloc (09022015). Collection method: clinical testing. Allele origin: germline.
Comment: This sequence change replaces tryptophan, which is neutral and slightly polar, with leucine, which is neutral and non-polar, at codon 445 of the ETFDH protein (p.Trp445Leu). This variant is present in population databases (rs763536356, gnomAD 0.006%). This variant has not been reported in the literature in individuals affected with ETFDH-related conditions. ClinVar contains an entry for this variant (Variation ID: 848955). Advanced modeling of protein sequence and biophysical properties (such as structural, functional, and spatial information, amino acid conservation, physicochemical variation, residue mobility, and thermodynamic stability) performed at Invitae indicates that this missense variant is not expected to disrupt ETFDH protein function. This variant disrupts the p.Trp445 amino acid residue in ETFDH. Other variant(s) that disrupt this residue have been determined to be pathogenic (PMID: 28468868; Invitae). This suggests that this residue is clinically significant, and that variants that disrupt this residue are likely to be disease-causing. In summary, the available evidence is currently insufficient to determine the role of this variant in disease. Therefore, it has been classified as a Variant of Uncertain Significance.

Natera, Inc.
Classification: Uncertain significance for Glutaric acidemia type 2C. Last evaluated: 2020-10-30. Review status: no assertion criteria provided. Collection method: clinical testing. Allele origin: germline. Not counted in ClinVar's aggregate classification.

Literature cited by the submitters: PubMed 28468868 (cited by Labcorp Genetics (formerly Invitae), Labcorp).

NM_004453.4(ETFDH):c.1334G>T (p.Trp445Leu)

Gene: ETFDH (electron transfer flavoprotein dehydrogenase; plus strand). Cytogenetic location: 4q32.1.
Variant type: single nucleotide variant.
Coding change: c.1334G>T on transcript NM_004453.4 (MANE Select); coding-DNA position 1334, G replaced by T.
Protein change: p.Trp445Leu; replaces tryptophan 445 with leucine.
Molecular consequence: missense variant.
Genome position (GRCh38, 1-based): chr4:158,706,237, G>T. VCF-style: chr4-158706237-G-T. GRCh37 (hg19) VCF-style: chr4-159627389-G-T.
Other names: c.1193G>T, p.Trp398Leu (NM_001281737.2); c.1151G>T, p.Trp384Leu (NM_001281738.1); short protein forms W445L, W398L, W384L.
Identifiers: ClinVar variation 848955 (VCV000848955.8), dbSNP rs763536356, ClinGen allele CA3122602.